The following is an entry in ClinVar:

NM_000059.4(BRCA2):c.6938-10T>A

Gene: BRCA2 (BRCA2 DNA repair associated; plus strand). Cytogenetic location: 13q13.1.
Variant type: single nucleotide variant.
Coding change: c.6938-10T>A on transcript NM_000059.4 (MANE Select); 10 bases into the intron before coding-DNA position 6938, T replaced by A.
Molecular consequence: intron variant.
Genome position (GRCh38, 1-based): chr13:32,346,817, T>A. VCF-style: chr13-32346817-T-A. GRCh37 (hg19) VCF-style: chr13-32920954-T-A.
Other names: c.6938-10T>A (NM_001406720.1); c.6842-10T>A (NM_001406719.1); c.2006-10T>A (NM_001406721.1); c.521-10T>A (NM_001406722.1).
Identifiers: ClinVar variation 2586274 (VCV002586274.3), dbSNP rs1454116100, ClinGen allele CA2582341816.
Genomic context (GRCh38, chr13:32,346,817, plus strand): 5'-TGTATTTACAGTAACATGGATATTCTCTTAGATTTTAACTAATATGTAATATAAAATAAT[T>A]GTTTCCTAGGCACAATAAAAGATCGAAGATTGTTTATGCATCATGTTTCTTTAGAGCCGA-3'

ClinVar aggregate classification (germline): Uncertain significance (1 of 4 stars; one submission).

Conditions:
Hereditary cancer-predisposing syndrome. Also called: Hereditary neoplastic syndrome; Tumor predisposition; Hereditary Cancer Syndrome; Neoplastic Syndromes, Hereditary. Identifiers: Orphanet 140162, MedGen C0027672, MeSH D009386, MONDO:0015356.

Submission:

Ambry Genetics
Classification: Uncertain significance for Hereditary cancer-predisposing syndrome. Last evaluated: 2025-08-26. Review status: criteria provided, single submitter. Criteria: Ambry Variant Classification Scheme 2023. Collection method: clinical testing. Allele origin: germline.
Comment: The c.6938-10T>A intronic variant results from a T to A substitution 10 nucleotides upstream from coding exon 12 in the BRCA2 gene. This nucleotide position is not well conserved in available vertebrate species. In silico splice site analysis predicts that this alteration will weaken the native splice acceptor site and will result in the creation or strengthening of a novel splice acceptor site. RNA studies have demonstrated that this alteration results in a splice defect; the clinical impact of this abnormal splicing is unknown at this time (Ambry internal data). Based on the available evidence, the clinical significance of this variant remains unclear.